The following is an entry in ClinVar:

NM_182493.3(MYLK3):c.212G>T (p.Arg71Leu)

Gene: MYLK3 (myosin light chain kinase 3; minus strand). Cytogenetic location: 16q11.2.
Variant type: single nucleotide variant.
Coding change: c.212G>T on transcript NM_182493.3 (MANE Select); coding-DNA position 212, G replaced by T.
Protein change: p.Arg71Leu; replaces arginine 71 with leucine.
Molecular consequence: missense variant. On other transcripts: intron variant (1).
Genome position (GRCh38, 1-based): chr16:46,747,982, C>A on the plus strand (G>T on the coding strand, the complement: MYLK3 is on the minus strand). VCF-style: chr16-46747982-C-A. GRCh37 (hg19) VCF-style: chr16-46781894-C-A.
Other names: c.-113-7835G>T (NM_001308301.1); short protein forms R71L.
Identifiers: ClinVar variation 2780847 (VCV002780847.3), dbSNP rs780172365, ClinGen allele CA280241457.

ClinVar aggregate classification (germline): Uncertain significance (1 of 4 stars; one submission).

Submission:

Labcorp Genetics (formerly Invitae), Labcorp
Classification: Uncertain significance. Last evaluated: 2024-08-27. Review status: criteria provided, single submitter. Criteria: Invitae Variant Classification Sherloc (09022015). Collection method: clinical testing. Allele origin: germline.
Comment: This sequence change replaces arginine, which is basic and polar, with leucine, which is neutral and non-polar, at codon 71 of the MYLK3 protein (p.Arg71Leu). This variant is not present in population databases (gnomAD no frequency). This variant has not been reported in the literature in individuals affected with MYLK3-related conditions. An algorithm developed to predict the effect of missense changes on protein structure and function (PolyPhen-2) suggests that this variant is likely to be tolerated. In summary, the available evidence is currently insufficient to determine the role of this variant in disease. Therefore, it has been classified as a Variant of Uncertain Significance.